The following is an entry in ClinVar:

NM_000289.6(PFKM):c.1057C>T (p.Gln353Ter)

Gene: PFKM (phosphofructokinase, muscle; plus strand). Cytogenetic location: 12q13.11.
Variant type: single nucleotide variant.
Coding change: c.1057C>T on transcript NM_000289.6 (MANE Select); coding-DNA position 1057, C replaced by T.
Protein change: p.Gln353Ter; replaces glutamine 353 with a stop codon.
Molecular consequence: nonsense. On other transcripts: non-coding transcript variant (6), intron variant (1).
Genome position (GRCh38, 1-based): chr12:48,137,841, C>T. VCF-style: chr12-48137841-C-T. GRCh37 (hg19) VCF-style: chr12-48531624-C-T.
Other names: c.1057C>T (NM_000289.5); c.1270C>T, p.Gln424Ter (NM_001166686.2, NM_001354737.1, NM_001354738.1 and 1 more transcripts); c.1057C>T, p.Gln353Ter (NM_001166687.2, NM_001166688.2, NM_001354742.2 and 2 more transcripts); c.1366C>T, p.Gln456Ter (NM_001354735.1, NM_001354736.1); c.1201C>T, p.Gln401Ter (NM_001354740.1); c.1081C>T, p.Gln361Ter (NM_001354741.2); c.970C>T, p.Gln324Ter (NM_001354745.2); c.907C>T, p.Gln303Ter (NM_001354747.2, NM_001354748.2); and 2 more; short protein forms Q303*, Q353*, Q361*, Q322*, Q324*, Q424*, Q401*, Q456*.
Identifiers: ClinVar variation 2016699 (VCV002016699.6), dbSNP rs2498458835, ClinGen allele CA384547572.
Genomic context (GRCh38, chr12:48,137,841, plus strand): 5'-GCCTGTGTAGTGAGCCTCTCTGGTAACCAGGCTGTGCGCCTGCCCCTCATGGAATGTGTC[C>T]AGGTGGTAAGTACTGATCCTAAACCCCTTTCTTAACACTCTCAAGCCCCTGCCTTGGAGC-3'

ClinVar aggregate classification (germline): Pathogenic/Likely pathogenic. Review status: criteria provided, multiple submitters, no conflicts (2 of 4 stars). 2 submissions from 2 submitters: Pathogenic (1); Likely pathogenic (1). Last evaluated 2025-05-21.

Conditions:
Glycogen storage disease, type VII (GSD7). Also called: GSD VII; MUSCLE PHOSPHOFRUCTOKINASE DEFICIENCY; PFKM DEFICIENCY; TARUI DISEASE. Identifiers: Orphanet 371, MedGen C0017926, MONDO:0009295, OMIM 232800.

Allele frequency attached by ClinVar (database versions not stated): gnomAD exomes below 0.00001.
gnomAD v4.1: 1 of 1,614,130 alleles (0.000062%); highest among the groups gnomAD compares: Admixed American, 0.0017%; no homozygotes.

Submissions (2):

Natera, Inc.
Classification: Likely pathogenic for Glycogen storage disease type VII. Last evaluated: 2025-05-21. Review status: criteria provided, single submitter. Criteria: Natera Variant Classification Schema (03/2026). Collection method: clinical testing. Allele origin: germline.
Comment: The c.1057C>T variant in PFKM is a nonsense variant predicted to introduce a stop codon at amino acid 353. This variant is expected to result in nonsense mediated decay, truncation, or a dysfunctional protein product. This variant is rare in the general population with a frequency below the threshold expected for the associated phenotype(s). Given the available evidence, this variant is classified as Likely Pathogenic.

Labcorp Genetics (formerly Invitae), Labcorp
Classification: Pathogenic for Glycogen storage disease, type VII. Last evaluated: 2022-07-22. Review status: criteria provided, single submitter. Criteria: Invitae Variant Classification Sherloc (09022015). Collection method: clinical testing. Allele origin: germline.
Comment: For these reasons, this variant has been classified as Pathogenic. This variant has not been reported in the literature in individuals affected with PFKM-related conditions. This variant is not present in population databases (gnomAD no frequency). This sequence change creates a premature translational stop signal (p.Gln353*) in the PFKM gene. It is expected to result in an absent or disrupted protein product. Loss-of-function variants in PFKM are known to be pathogenic (PMID: 7825568, 8037209).

Literature cited by the submitters: PubMed 7825568 (cited by Labcorp Genetics (formerly Invitae), Labcorp); PubMed 8037209 (cited by Labcorp Genetics (formerly Invitae), Labcorp).